The following is an entry in ClinVar:

NM_001378454.1(ALMS1):c.10178C>G (p.Ala3393Gly)

Gene: ALMS1 (ALMS1 centrosome and basal body associated protein; plus strand). Cytogenetic location: 2p13.1.
Variant type: single nucleotide variant.
Coding change: c.10178C>G on transcript NM_001378454.1 (MANE Select); coding-DNA position 10178, C replaced by G.
Protein change: p.Ala3393Gly; replaces alanine 3393 with glycine.
Molecular consequence: missense variant.
Genome position (GRCh38, 1-based): chr2:73,557,319, C>G. VCF-style: chr2-73557319-C-G. GRCh37 (hg19) VCF-style: chr2-73784446-C-G.
Other names: c.10181C>G, p.Ala3394Gly (NM_015120.4); short protein forms A3394G, A3393G.
Identifiers: ClinVar variation 1377959 (VCV001377959.6), dbSNP rs1231100277, ClinGen allele CA347276741.

ClinVar aggregate classification (germline): Uncertain significance (1 of 4 stars; one submission).

Conditions:
Alstrom syndrome (ALMS). Identifiers: Orphanet 64, MedGen C0268425, MONDO:0008763, OMIM 203800.

gnomAD v4.1: 7 of 1,614,068 alleles (0.00043%); highest among the groups gnomAD compares: Non-Finnish European, 0.00059%; no homozygotes.

Submission:

Labcorp Genetics (formerly Invitae), Labcorp
Classification: Uncertain significance for Alstrom syndrome. Last evaluated: 2021-09-15. Review status: criteria provided, single submitter. Criteria: Invitae Variant Classification Sherloc (09022015). Collection method: clinical testing. Allele origin: germline.
Comment: In summary, the available evidence is currently insufficient to determine the role of this variant in disease. Therefore, it has been classified as a Variant of Uncertain Significance. Experimental studies and prediction algorithms are not available or were not evaluated, and the functional significance of this variant is currently unknown. This variant has not been reported in the literature in individuals affected with ALMS1-related conditions. This variant is not present in population databases (ExAC no frequency). This sequence change replaces alanine with glycine at codon 3394 of the ALMS1 protein (p.Ala3394Gly). The alanine residue is weakly conserved and there is a small physicochemical difference between alanine and glycine.